The following is an entry in ClinVar:

NM_000261.2(MYOC):c.1011G>T (p.Gln337His)

Gene: MYOC (myocilin; minus strand). Cytogenetic location: 1q24.3.
Variant type: single nucleotide variant.
Coding change: c.1011G>T on transcript NM_000261.2 (MANE Select); coding-DNA position 1011, G replaced by T.
Protein change: p.Gln337His; replaces glutamine 337 with histidine.
Molecular consequence: missense variant.
Genome position (GRCh38, 1-based): chr1:171,636,429, C>A on the plus strand (G>T on the coding strand, the complement: MYOC is on the minus strand). VCF-style: chr1-171636429-C-A. GRCh37 (hg19) VCF-style: chr1-171605569-C-A.
Other names: NM_000261.2:c.1011G>T; short protein forms Q337H.
Identifiers: ClinVar variation 2498110 (VCV002498110.2), dbSNP rs1280400300, ClinGen allele CA343725112.

ClinVar aggregate classification (germline): Uncertain significance (3 of 4 stars; one submission).

Conditions:
Open-angle glaucoma. Identifiers: MedGen C0017612, MONDO:0005338, HP:0012108.

Allele frequency attached by ClinVar (database versions not stated): TOPMed below 0.00001; gnomAD 0.00001.
gnomAD v4.1: 33 of 1,614,020 alleles (0.002%); highest among the groups gnomAD compares: Non-Finnish European, 0.0027%; no homozygotes.

Submission:

ClinGen Glaucoma Variant Curation Expert Panel
Classification: Uncertain significance for Open-angle glaucoma. Last evaluated: 2025-11-12. Review status: reviewed by expert panel. Criteria: ClinGen Glaucoma ACMG Specifications V2.0.0 Approved. Collection method: curation. Allele origin: germline. Inheritance: Autosomal dominant inheritance.
Comment: The c.1011G>T variant in MYOC is a missense variant predicted to cause substitution of Glutamine by Histidine at amino acid 337 (p.Gln337His). The highest minor allele frequency of this variant was in the European (non-Finnish) genetic ancestry group of gnomAD (v4.1.0) = 0.00002712 (32 alleles out of 1,180,040), which met the ≤ 0.0001 threshold set for PM2_Supporting in a genetic ancestry group of at least 10,000 alleles. The REVEL score = 0.65, which was within the 0.644-0.772 range for PP3, predicting a damaging effect on MYOC function. There was no functional evidence predicting a damaging or benign impact of this variant on MYOC function. Only 1 proband with primary open-angle glaucoma had been reported (PMID: 32476818), not meeting the ≥ 2 probands threshold required to meet PS4_Supporting. In summary, this variant met the criteria to receive a score of 2 and to be classified as a variant of uncertain significance (uncertain significance classification range -1 to 5, adapted from PMID: 32720330) for primary open angle glaucoma based on the ACMG/AMP criteria met, as specified by the ClinGen Glaucoma VCEP (v2.0.0, 5 Dec 2024): PP3, PM2_Supporting.